The following is an entry in ClinVar:

NM_000285.4(PEPD):c.281C>G (p.Thr94Ser)

Gene: PEPD (peptidase D; minus strand). Cytogenetic location: 19q13.11.
Variant type: single nucleotide variant.
Coding change: c.281C>G on transcript NM_000285.4 (MANE Select); coding-DNA position 281, C replaced by G.
Protein change: p.Thr94Ser; replaces threonine 94 with serine.
Molecular consequence: missense variant. On other transcripts: intron variant (1).
Genome position (GRCh38, 1-based): chr19:33,511,076, G>C on the plus strand (C>G on the coding strand, the complement: PEPD is on the minus strand). VCF-style: chr19-33511076-G-C. GRCh37 (hg19) VCF-style: chr19-34001982-G-C.
Other names: c.281C>G, p.Thr94Ser (NM_001166056.2); c.201+1517C>G (NM_001166057.2); short protein forms T94S.
Identifiers: ClinVar variation 2913962 (VCV002913962.3), dbSNP rs1970917164, ClinGen allele CA405232181.

ClinVar aggregate classification (germline): Uncertain significance (1 of 4 stars; one submission).

Allele frequency attached by ClinVar (database versions not stated): TOPMed below 0.00001.
gnomAD v4.1: 1 of 1,614,062 alleles (0.000062%); highest among the groups gnomAD compares: Admixed American, 0.0017%; no homozygotes.

Submission:

Labcorp Genetics (formerly Invitae), Labcorp
Classification: Uncertain significance. Last evaluated: 2022-12-31. Review status: criteria provided, single submitter. Criteria: Invitae Variant Classification Sherloc (09022015). Collection method: clinical testing. Allele origin: germline.
Comment: This variant is not present in population databases (gnomAD no frequency). This sequence change replaces threonine, which is neutral and polar, with serine, which is neutral and polar, at codon 94 of the PEPD protein (p.Thr94Ser). In summary, the available evidence is currently insufficient to determine the role of this variant in disease. Therefore, it has been classified as a Variant of Uncertain Significance. Advanced modeling of protein sequence and biophysical properties (such as structural, functional, and spatial information, amino acid conservation, physicochemical variation, residue mobility, and thermodynamic stability) performed at Invitae indicates that this missense variant is not expected to disrupt PEPD protein function. This variant has not been reported in the literature in individuals affected with PEPD-related conditions.